The following is an entry in ClinVar:

NM_130837.3(OPA1):c.1417_1418del (p.Ile473fs)

Gene: OPA1 (OPA1 mitochondrial dynamin like GTPase; plus strand). Cytogenetic location: 3q29.
Variant type: Deletion.
Coding change: c.1417_1418del on transcript NM_130837.3 (MANE Select); coding-DNA positions 1417 to 1418, 2 bases deleted (AT; older notation c.1417_1418delAT).
Protein change: p.Ile473fs; shifts the reading frame from isoleucine 473.
Molecular consequence: frameshift variant.
Genome position (GRCh38, 1-based): chr3:193,643,567-193,643,568, AT deleted; deleting any 2 consecutive bases within chr3:193,643,566-193,643,568 gives the same sequence; the c. name uses the placement nearest the transcript's 3' end. VCF-style (leftmost placement, unchanged base first): chr3-193643565-CTA-C. GRCh37 (hg19) VCF-style: chr3-193361354-CTA-C.
Other names: c.883_884del, p.Ile295fs (NM_001354663.2); c.880_881del, p.Ile294fs (NM_001354664.2); c.1252_1253delAT, p.Ile418Phefs (NM_015560.2); c.1252_1253del, p.Ile418fs (NM_015560.3); c.1144_1145del, p.Ile382fs (NM_130831.3); c.1198_1199del, p.Ile400fs (NM_130832.3); c.1255_1256del, p.Ile419fs (NM_130833.3); c.1306_1307del, p.Ile436fs (NM_130834.3); and 2 more; short protein forms I294fs, I295fs, I382fs, I400fs, I418fs, I419fs, I436fs, I437fs.
Identifiers: ClinVar variation 2572826 (VCV002572826.1), dbSNP rs2474874123, ClinGen allele CA2580616038.
Genomic context (GRCh38, chr3:193,643,565, plus strand): 5'-CATTTAAAACCTTTTTCTTTAAGACTGTGACATCAGGCATGGCTCCTGACACAAAGGAAA[CTA>C]TTTTCAGTATCAGCAAAGCTTACATGCAGAATCCTAATGCCATCATACTGTGTATTCAAG-3'

ClinVar aggregate classification (germline): Likely pathogenic (1 of 4 stars; one submission).

Submission:

GeneDx
Classification: Likely pathogenic. Last evaluated: 2023-01-12. Review status: criteria provided, single submitter. Criteria: GeneDx Variant Classification Process June 2021. Collection method: clinical testing. Allele origin: germline. Affected: yes.
Comment: Reported in two individuals with optic atrophy; detailed clinical and segregation information was not provided for these individuals (Baris et al., 2003); Frameshift variant predicted to result in protein truncation or nonsense mediated decay in a gene for which loss of function is a known mechanism of disease; Not observed at significant frequency in large population cohorts (gnomAD); This variant is associated with the following publications: (PMID: 28848318, 14961560)